The following is an entry in ClinVar:

NM_003072.5(SMARCA4):c.1821C>A (p.Asp607Glu)

Gene: SMARCA4 (SWI/SNF related BAF chromatin remodeling complex subunit ATPase 4; plus strand). Cytogenetic location: 19p13.2.
Variant type: single nucleotide variant.
Coding change: c.1821C>A on transcript NM_003072.5 (MANE Select); coding-DNA position 1821, C replaced by A.
Protein change: p.Asp607Glu; replaces aspartic acid 607 with glutamic acid.
Molecular consequence: missense variant. On other transcripts: non-coding transcript variant (1).
Genome position (GRCh38, 1-based): chr19:11,003,037, C>A. VCF-style: chr19-11003037-C-A. GRCh37 (hg19) VCF-style: chr19-11113713-C-A.
Other names: c.1821C>A, p.Asp607Glu (NM_001128844.3, NM_001128845.2, NM_001128846.2 and 6 more transcripts); short protein forms D607E.
Identifiers: ClinVar variation 3636854 (VCV003636854.2).

ClinVar aggregate classification (germline): Uncertain significance (1 of 4 stars; one submission).

Conditions:
Rhabdoid tumor predisposition syndrome 2 (RTPS2). Identifiers: Orphanet 231108, Orphanet 69077, MedGen C2750074, MONDO:0013224, OMIM 613325.

Submission:

Labcorp Genetics (formerly Invitae), Labcorp
Classification: Uncertain significance for Rhabdoid tumor predisposition syndrome 2. Last evaluated: 2024-05-02. Review status: criteria provided, single submitter. Criteria: Invitae Variant Classification Sherloc (09022015). Collection method: clinical testing. Allele origin: germline.
Comment: This sequence change replaces aspartic acid, which is acidic and polar, with glutamic acid, which is acidic and polar, at codon 607 of the SMARCA4 protein (p.Asp607Glu). This variant is not present in population databases (gnomAD no frequency). This variant has not been reported in the literature in individuals affected with SMARCA4-related conditions. Advanced modeling of protein sequence and biophysical properties (such as structural, functional, and spatial information, amino acid conservation, physicochemical variation, residue mobility, and thermodynamic stability) performed at Invitae indicates that this missense variant is not expected to disrupt SMARCA4 protein function with a negative predictive value of 95%. In summary, the available evidence is currently insufficient to determine the role of this variant in disease. Therefore, it has been classified as a Variant of Uncertain Significance.